The following is an entry in ClinVar:

NM_001035.3(RYR2):c.12170A>T (p.His4057Leu)

Gene: RYR2 (ryanodine receptor 2; plus strand). Cytogenetic location: 1q43.
Variant type: single nucleotide variant.
Coding change: c.12170A>T on transcript NM_001035.3 (MANE Select); coding-DNA position 12170, A replaced by T.
Protein change: p.His4057Leu; replaces histidine 4057 with leucine.
Molecular consequence: missense variant.
Genome position (GRCh38, 1-based): chr1:237,783,882, A>T. VCF-style: chr1-237783882-A-T. GRCh37 (hg19) VCF-style: chr1-237947182-A-T.
Other names: short protein forms H4057L.
Identifiers: ClinVar variation 2447504 (VCV002447504.2), dbSNP rs2527777249, ClinGen allele CA345412408.

ClinVar aggregate classification (germline): Uncertain significance (1 of 4 stars; one submission).

Conditions:
Cardiovascular phenotype. Identifiers: MedGen CN230736.

Submission:

Ambry Genetics
Classification: Uncertain significance for Cardiovascular phenotype. Last evaluated: 2022-11-03. Review status: criteria provided, single submitter. Criteria: Ambry Variant Classification Scheme 2023. Collection method: clinical testing. Allele origin: germline.
Comment: The p.H4057L variant (also known as c.12170A>T), located in coding exon 90 of the RYR2 gene, results from an A to T substitution at nucleotide position 12170. The histidine at codon 4057 is replaced by leucine, an amino acid with similar properties. This amino acid position is well conserved in available vertebrate species. In addition, the in silico prediction for this alteration is inconclusive. Since supporting evidence is limited at this time, the clinical significance of this alteration remains unclear.